The following is an entry in ClinVar:

NM_001199107.2(TBC1D24):c.340G>A (p.Val114Met)

Gene: TBC1D24 (TBC1 domain family member 24; plus strand). Cytogenetic location: 16p13.3.
Variant type: single nucleotide variant.
Coding change: c.340G>A on transcript NM_001199107.2 (MANE Select); coding-DNA position 340, G replaced by A.
Protein change: p.Val114Met; replaces valine 114 with methionine.
Molecular consequence: missense variant.
Genome position (GRCh38, 1-based): chr16:2,496,488, G>A. VCF-style: chr16-2496488-G-A. GRCh37 (hg19) VCF-style: chr16-2546489-G-A.
Other names: p.V114M:GTG>ATG; c.340G>A, p.Val114Met (NM_020705.3); short protein forms V114M.
Identifiers: ClinVar variation 207495 (VCV000207495.14), dbSNP rs368575199, ClinGen allele CA319013.

ClinVar aggregate classification (germline): Uncertain significance. Review status: criteria provided, multiple submitters, no conflicts (2 of 4 stars). 3 submissions from 3 submitters: Uncertain significance (3). Last evaluated 2025-10-21.

Conditions:
Inborn genetic diseases. Identifiers: MedGen C0950123, MeSH D030342.
Autosomal dominant nonsyndromic hearing loss 65. Also called: Deafness, autosomal dominant 65; TBC1D24-Related Autosomal Dominant Nonsyndromic Hearing Loss (DFNA). Identifiers: Orphanet 90635, MedGen C3892048, MONDO:0014470, OMIM 616044.
Developmental and epileptic encephalopathy, 1 (DEE1). Also called: X-linked infantile spasms; West's syndrome; Tonic spasms with clustering, arrest of psychomotor development and hypsarrhythmia on EEG; X-Linked Infantile Spasm Syndrome; Epileptic encephalopathy, early infantile, 1; OHTAHARA SYNDROME, X-LINKED. Identifiers: MedGen C3463992, MONDO:0010632, OMIM 308350. Disease mechanism: loss of function.

Allele frequency attached by ClinVar (database versions not stated): gnomAD 0.00016; ExAC 0.00006; TOPMed 0.00012; ESP Exome Variant Server 0.00016.
gnomAD v4.1: 46 of 1,610,026 alleles (0.0029%); highest among the groups gnomAD compares: African/African-American, 0.021%; no homozygotes.

Submissions (3):

GeneDx
Classification: Uncertain significance. Last evaluated: 2025-10-21. Review status: criteria provided, single submitter. Criteria: GeneDx Variant Classification Process June 2021. Collection method: clinical testing. Allele origin: germline. Affected: yes.
Comment: In silico analysis suggests that this missense variant does not alter protein structure/function; Has not been previously published as pathogenic or benign to our knowledge; This variant is associated with the following publications: (PMID: 24291220)

Labcorp Genetics (formerly Invitae), Labcorp
Classification: Uncertain significance for Developmental and epileptic encephalopathy, 1; Autosomal dominant nonsyndromic hearing loss 65. Last evaluated: 2025-01-06. Review status: criteria provided, single submitter. Criteria: Invitae Variant Classification Sherloc (09022015). Collection method: clinical testing. Allele origin: germline.
Comment: This sequence change replaces valine, which is neutral and non-polar, with methionine, which is neutral and non-polar, at codon 114 of the TBC1D24 protein (p.Val114Met). This variant is present in population databases (rs368575199, gnomAD 0.03%). This variant has not been reported in the literature in individuals affected with TBC1D24-related conditions. ClinVar contains an entry for this variant (Variation ID: 207495). Invitae Evidence Modeling of protein sequence and biophysical properties (such as structural, functional, and spatial information, amino acid conservation, physicochemical variation, residue mobility, and thermodynamic stability) has been performed for this missense variant. However, the output from this modeling did not meet the statistical confidence thresholds required to predict the impact of this variant on TBC1D24 protein function. In summary, the available evidence is currently insufficient to determine the role of this variant in disease. Therefore, it has been classified as a Variant of Uncertain Significance.

Ambry Genetics
Classification: Uncertain significance for Inborn genetic diseases. Last evaluated: 2024-12-16. Review status: criteria provided, single submitter. Criteria: Ambry Variant Classification Scheme 2023. Collection method: clinical testing. Allele origin: germline.